The following is an entry in ClinVar:

ClinVar aggregate classification (germline): Uncertain significance (1 of 4 stars; one submission).

Submission:

Labcorp Genetics (formerly Invitae), Labcorp
Classification: Uncertain significance. Last evaluated: 2024-09-20. Review status: criteria provided, single submitter. Criteria: Invitae Variant Classification Sherloc (09022015). Collection method: clinical testing. Allele origin: germline.
Comment: This sequence change replaces aspartic acid, which is acidic and polar, with glycine, which is neutral and non-polar, at codon 1385 of the PLXNA1 protein (p.Asp1385Gly). This variant is not present in population databases (gnomAD no frequency). This variant has not been reported in the literature in individuals affected with PLXNA1-related conditions. Invitae Evidence Modeling of protein sequence and biophysical properties (such as structural, functional, and spatial information, amino acid conservation, physicochemical variation, residue mobility, and thermodynamic stability) indicates that this missense variant is expected to disrupt PLXNA1 protein function with a positive predictive value of 80%. In summary, the available evidence is currently insufficient to determine the role of this variant in disease. Therefore, it has been classified as a Variant of Uncertain Significance.

NM_032242.4(PLXNA1):c.4154A>G (p.Asp1385Gly)

Gene: PLXNA1 (plexin A1; plus strand). Cytogenetic location: 3q21.3.
Variant type: single nucleotide variant.
Coding change: c.4154A>G on transcript NM_032242.4 (MANE Select); coding-DNA position 4154, A replaced by G.
Protein change: p.Asp1385Gly; replaces aspartic acid 1385 with glycine.
Molecular consequence: missense variant.
Genome position (GRCh38, 1-based): chr3:127,022,200, A>G. VCF-style: chr3-127022200-A-G. GRCh37 (hg19) VCF-style: chr3-126741043-A-G.
Other names: short protein forms D1385G.
Identifiers: ClinVar variation 3665124 (VCV003665124.2).
Genomic context (GRCh38, chr3:127,022,200, plus strand): 5'-AGCACTTCCTGCTGACCTTCATCCGCACGCTGGAGGCACAGCGCAGCTTCTCCATGCGCG[A>G]CCGCGGGAATGTGGCCTCGCTCATCATGACGGCCCTGCAGGGCGAGATGGAATACGCCAC-3'
Protein context (NP_115618.3, residues 1375-1395): LEAQRSFSMR[Asp1385Gly]RGNVASLIMT